The following is an entry in ClinVar:

ClinVar aggregate classification (germline): Conflicting classifications of pathogenicity. Review status: criteria provided, conflicting classifications (1 of 4 stars). 2 submissions from 2 submitters: Uncertain significance (1); Likely benign (1). Last evaluated 2025-03-13.

Conditions:
HNF1B-related disorder. Also called: HNF1B-related condition; HNF1B-related disorders.
Maturity-onset diabetes of the young (MODY). Also called: Maturity onset diabetes mellitus in young. Identifiers: Orphanet 552, MedGen C0342276, MONDO:0018911, HP:0004904.

Allele frequency attached by ClinVar (database versions not stated): TOPMed below 0.00001.

Submissions (2):

PreventionGenetics, part of Exact Sciences
Classification: Likely benign for HNF1B-related condition. Last evaluated: 2025-03-13. Review status: criteria provided, single submitter. Criteria: ACMG Guidelines, 2015. Collection method: clinical testing. Allele origin: germline.
Comment: This variant is classified as likely benign based on ACMG/AMP sequence variant interpretation guidelines (Richards et al. 2015 PMID: 25741868, with internal and published modifications).

Clinical Genomics, Uppaluri K&H Personalized Medicine Clinic
Classification: Uncertain significance for Maturity-onset diabetes of the young. Review status: criteria provided, single submitter. Criteria: K & H Uppaluri Personalized Medicine Clinic Variant Classification & Assertion Criteria_Updated V.1. Collection method: research. Allele origin: unknown. Inheritance: Autosomal dominant inheritance.
Comment: HNF1B gene mutations are associated with early onset diabetes and pancreatic atrophy. It is also associated with multiple renal manifestations including renal cysts, Tubulointerstitial disease, glomerulocystic disease, renal hypoplasia, hypomagnesemia.However no sufficient evidence is found to ascertain the role of this particular variant rs1004961534, yet.

Literature cited by the submitters: PubMed 24897035 (cited by Clinical Genomics, Uppaluri K&H Personalized Medicine Clinic); PubMed 25536396 (cited by Clinical Genomics, Uppaluri K&H Personalized Medicine Clinic); PubMed 27615128 (cited by Clinical Genomics, Uppaluri K&H Personalized Medicine Clinic); PubMed 28215227 (cited by Clinical Genomics, Uppaluri K&H Personalized Medicine Clinic); PubMed 33434175 (cited by Clinical Genomics, Uppaluri K&H Personalized Medicine Clinic); PubMed 25741167 (cited by Clinical Genomics, Uppaluri K&H Personalized Medicine Clinic); PubMed 26340261 (cited by Clinical Genomics, Uppaluri K&H Personalized Medicine Clinic); PubMed 19639018 (cited by Clinical Genomics, Uppaluri K&H Personalized Medicine Clinic).

NM_000458.4(HNF1B):c.544+7G>A

Gene: HNF1B (HNF1 homeobox B; minus strand). Cytogenetic location: 17q12.
Variant type: single nucleotide variant.
Coding change: c.544+7G>A on transcript NM_000458.4 (MANE Select); 7 bases into the intron after coding-DNA position 544, G replaced by A.
Molecular consequence: intron variant.
Genome position (GRCh38, 1-based): chr17:37,739,433, C>T on the plus strand (G>A on the coding strand, the complement: HNF1B is on the minus strand). VCF-style: chr17-37739433-C-T. GRCh37 (hg19) VCF-style: chr17-36099424-C-T.
Other names: c.544+7G>A (NM_000458.3, NM_001304286.2, NM_001165923.4).
Identifiers: ClinVar variation 1802163 (VCV001802163.2), dbSNP rs1004961534, ClinGen allele CA290288594.